The following is an entry in ClinVar:

ClinVar aggregate classification (germline): Uncertain significance (1 of 4 stars; one submission).

Allele frequency attached by ClinVar (database versions not stated): TOPMed below 0.00001.

Submission:

Labcorp Genetics (formerly Invitae), Labcorp
Classification: Uncertain significance. Last evaluated: 2022-02-24. Review status: criteria provided, single submitter. Criteria: Invitae Variant Classification Sherloc (09022015). Collection method: clinical testing. Allele origin: germline.
Comment: This sequence change replaces proline, which is neutral and non-polar, with threonine, which is neutral and polar, at codon 3088 of the SPEG protein (p.Pro3088Thr). This variant is not present in population databases (gnomAD no frequency). This variant has not been reported in the literature in individuals affected with SPEG-related conditions. Algorithms developed to predict the effect of missense changes on protein structure and function are either unavailable or do not agree on the potential impact of this missense change (SIFT: "Deleterious"; PolyPhen-2: "Probably Damaging"; Align-GVGD: "Class C0"). In summary, the available evidence is currently insufficient to determine the role of this variant in disease. Therefore, it has been classified as a Variant of Uncertain Significance.

NM_005876.5(SPEG):c.9262C>A (p.Pro3088Thr)

Genes: ASIC4-AS1 (ASIC4 antisense RNA 1; minus strand), SPEG (striated muscle enriched protein kinase; plus strand). Cytogenetic location: 2q35.
Variant type: single nucleotide variant.
Coding change: c.9262C>A on transcript NM_005876.5 (MANE Select); coding-DNA position 9262, C replaced by A.
Protein change: p.Pro3088Thr; replaces proline 3088 with threonine.
Molecular consequence: missense variant.
Genome position (GRCh38, 1-based): chr2:219,490,833, C>A. VCF-style: chr2-219490833-C-A. GRCh37 (hg19) VCF-style: chr2-220355555-C-A.
Other names: short protein forms P3088T.
Identifiers: ClinVar variation 2102824 (VCV002102824.1), dbSNP rs1693905940, ClinGen allele CA350715448.
Genomic context (GRCh38, chr2:219,490,833, plus strand): 5'-CAGCTGCTACAAGGCCTGGACTACCTCCACGGCCACCACGTGCTCCACCTAGACATCAAG[C>A]CAGACAACCTGCTGCTGGCCCCTGACAATGCCCTCAAGATTGTGGACTTTGGCAGTGCCC-3'
Protein context (NP_005867.3, residues 3078-3098): GHHVLHLDIK[Pro3088Thr]DNLLLAPDNA